The following is an entry in ClinVar:

NM_001135022.2(ELMOD3):c.313A>G (p.Ser105Gly)

Gene: ELMOD3 (ELMO domain containing 3; plus strand). Cytogenetic location: 2p11.2.
Variant type: single nucleotide variant.
Coding change: c.313A>G on transcript NM_001135022.2 (MANE Select); coding-DNA position 313, A replaced by G.
Protein change: p.Ser105Gly; replaces serine 105 with glycine.
Molecular consequence: missense variant. On other transcripts: non-coding transcript variant (3).
Genome position (GRCh38, 1-based): chr2:85,369,783, A>G. VCF-style: chr2-85369783-A-G. GRCh37 (hg19) VCF-style: chr2-85596906-A-G.
Other names: p.Ser105Gly; c.313A>G, p.Ser105Gly (NM_001135021.2, NM_001135023.2, NM_001329791.2 and 2 more transcripts); short protein forms S105G.
Identifiers: ClinVar variation 508580 (VCV000508580.17), dbSNP rs78809694, ClinGen allele CA1740298.

ClinVar aggregate classification (germline): Benign. Review status: criteria provided, multiple submitters, no conflicts (2 of 4 stars). 6 submissions from 6 submitters: Benign (5). 1 of the submissions does not count toward it. Last evaluated 2026-01-29.

Conditions:
ELMOD3-related disorder. Also called: ELMOD3-related condition.

Allele frequency attached by ClinVar (database versions not stated): ESP Exome Variant Server 0.00023; gnomAD exomes 0.00323 and 0.01103; gnomAD 0.00344 and 0.00431; TOPMed 0.00718; ExAC 0.00907; 1000 Genomes Project 0.01917; 1000 Genomes Project 30x 0.01936.
gnomAD v4.1: 5,392 of 1,614,072 alleles (0.33%); highest among the groups gnomAD compares: East Asian, 6.3%; 135 homozygotes.

Submissions (20):

Labcorp Genetics (formerly Invitae), Labcorp
Classification: Benign. Last evaluated: 2026-01-29. Review status: criteria provided, single submitter. Criteria: Invitae Variant Classification Sherloc (09022015). Collection method: clinical testing. Allele origin: germline.

Mayo Clinic Laboratories, Mayo Clinic
Classification: Benign. Last evaluated: 2022-11-11. Review status: criteria provided, single submitter. Criteria: ACMG Guidelines, 2015. Collection method: clinical testing. Allele origin: germline. Observed: 3 variant alleles.

Athena Diagnostics
Classification: Benign. Last evaluated: 2019-10-28. Review status: criteria provided, single submitter. Criteria: Athena Diagnostics Criteria. Collection method: clinical testing. Allele origin: unknown.

GeneDx
Classification: Benign. Last evaluated: 2017-05-09. Review status: criteria provided, single submitter. Criteria: GeneDx Variant Classification (06012015). Collection method: clinical testing. Allele origin: germline. Affected: yes.
Comment: This variant is considered likely benign or benign based on one or more of the following criteria: it is a conservative change, it occurs at a poorly conserved position in the protein, it is predicted to be benign by multiple in silico algorithms, and/or has population frequency not consistent with disease.

Breakthrough Genomics
Classification: Benign. Review status: criteria provided, single submitter. Criteria: ACMG Guidelines, 2015. Collection method: not provided. Allele origin: germline. Inheritance: Autosomal recessive inheritance. Affected: yes.

PreventionGenetics, part of Exact Sciences
Classification: Benign for ELMOD3-related condition. Last evaluated: 2019-07-31. Review status: no assertion criteria provided. Collection method: clinical testing. Allele origin: germline. Not counted in ClinVar's aggregate classification.
Comment: This variant is classified as benign based on ACMG/AMP sequence variant interpretation guidelines (Richards et al. 2015 PMID: 25741868, with internal and published modifications).

Dr. Peter K. Rogan Lab, Western University
No classification provided (evidence only). Condition: Malignant tumor of urinary bladder. Review status: no classification provided. Collection method: in vitro. Allele origin: not applicable. Functional consequence: skipped exon. Not counted in ClinVar's aggregate classification.

Dr. Peter K. Rogan Lab, Western University
No classification provided (evidence only). Condition: Clear cell carcinoma of kidney. Review status: no classification provided. Collection method: in vitro. Allele origin: not applicable. Functional consequence: retained intron. Not counted in ClinVar's aggregate classification.

Dr. Peter K. Rogan Lab, Western University
No classification provided (evidence only). Condition: Familial cancer of breast. Review status: no classification provided. Collection method: in vitro. Allele origin: not applicable. Functional consequence: retained intron. Not counted in ClinVar's aggregate classification.

Dr. Peter K. Rogan Lab, Western University
No classification provided (evidence only). Condition: Cervical cancer. Review status: no classification provided. Collection method: in vitro. Allele origin: not applicable. Functional consequence: retained intron. Not counted in ClinVar's aggregate classification.

Dr. Peter K. Rogan Lab, Western University
No classification provided (evidence only). Condition: Hepatocellular carcinoma. Review status: no classification provided. Collection method: in vitro. Allele origin: not applicable. Functional consequence: retained intron. Not counted in ClinVar's aggregate classification.

Dr. Peter K. Rogan Lab, Western University
No classification provided (evidence only). Condition: Gastric cancer. Review status: no classification provided. Collection method: in vitro. Allele origin: not applicable. Functional consequence: retained intron. Not counted in ClinVar's aggregate classification.

Dr. Peter K. Rogan Lab, Western University
No classification provided (evidence only). Condition: Gastric cancer. Review status: no classification provided. Collection method: in vitro. Allele origin: not applicable. Functional consequence: retained intron. Not counted in ClinVar's aggregate classification.

Dr. Peter K. Rogan Lab, Western University
No classification provided (evidence only). Condition: Gastric cancer. Review status: no classification provided. Collection method: in vitro. Allele origin: not applicable. Functional consequence: retained intron. Not counted in ClinVar's aggregate classification.

Dr. Peter K. Rogan Lab, Western University
No classification provided (evidence only). Condition: Gastric cancer. Review status: no classification provided. Collection method: in vitro. Allele origin: not applicable. Functional consequence: retained intron. Not counted in ClinVar's aggregate classification.

Dr. Peter K. Rogan Lab, Western University
No classification provided (evidence only). Condition: Gastric cancer. Review status: no classification provided. Collection method: in vitro. Allele origin: not applicable. Functional consequence: retained intron. Not counted in ClinVar's aggregate classification.

Dr. Peter K. Rogan Lab, Western University
No classification provided (evidence only). Condition: Gastric cancer. Review status: no classification provided. Collection method: in vitro. Allele origin: not applicable. Functional consequence: retained intron. Not counted in ClinVar's aggregate classification.

Dr. Peter K. Rogan Lab, Western University
No classification provided (evidence only). Condition: Adrenocortical carcinoma, hereditary. Review status: no classification provided. Collection method: in vitro. Allele origin: not applicable. Functional consequence: retained intron. Not counted in ClinVar's aggregate classification.

Dr. Peter K. Rogan Lab, Western University
No classification provided (evidence only). Condition: Malignant tumor of esophagus. Review status: no classification provided. Collection method: in vitro. Allele origin: not applicable. Functional consequence: retained intron. Not counted in ClinVar's aggregate classification.

Dr. Peter K. Rogan Lab, Western University
No classification provided (evidence only). Condition: Malignant tumor of esophagus. Review status: no classification provided. Collection method: in vitro. Allele origin: not applicable. Functional consequence: retained intron. Not counted in ClinVar's aggregate classification.